The following is an entry in ClinVar:

ClinVar aggregate classification (germline): Benign/Likely benign. Review status: criteria provided, multiple submitters, no conflicts (2 of 4 stars). 4 submissions from 4 submitters: Benign (1); Likely benign (3). Last evaluated 2025-06-03.

Allele frequency attached by ClinVar (database versions not stated): gnomAD exomes 0.00010 and 0.00030; ExAC 0.00041; gnomAD 0.00139 and 0.00149; TOPMed 0.00164; ESP Exome Variant Server 0.00169; 1000 Genomes Project 0.00180; 1000 Genomes Project 30x 0.00203.
gnomAD v4.1: 353 of 1,614,192 alleles (0.022%); highest among the groups gnomAD compares: African/African-American, 0.45%; 4 homozygotes.

Submissions (4):

Labcorp Genetics (formerly Invitae), Labcorp
Classification: Benign. Last evaluated: 2025-06-03. Review status: criteria provided, single submitter. Criteria: Invitae Variant Classification Sherloc (09022015). Collection method: clinical testing. Allele origin: germline.

Blueprint Genetics
Classification: Likely benign. Last evaluated: 2024-07-09. Review status: criteria provided, single submitter. Criteria: ACMG Guidelines, 2015. Collection method: clinical testing. Allele origin: germline.

CeGaT Center for Human Genetics Tuebingen
Classification: Likely benign. Last evaluated: 2023-04-01. Review status: criteria provided, single submitter. Criteria: CeGaT Center For Human Genetics Tuebingen Variant Classification Criteria Version 2. Collection method: clinical testing. Allele origin: germline. Affected: yes. Observed: 1 variant allele.
Comment: CENPF: BP4, BP7

GeneDx
Classification: Likely benign. Last evaluated: 2021-04-19. Review status: criteria provided, single submitter. Criteria: GeneDx Variant Classification Process June 2021. Collection method: clinical testing. Allele origin: germline. Affected: yes.

NM_016343.4(CENPF):c.1218T>G (p.Ser406=)

Gene: CENPF (centromere protein F; plus strand). Cytogenetic location: 1q41.
Variant type: single nucleotide variant.
Coding change: c.1218T>G on transcript NM_016343.4 (MANE Select); coding-DNA position 1218, T replaced by G.
Protein change: p.Ser406=; no amino-acid change (serine 406 retained).
Molecular consequence: synonymous variant.
Genome position (GRCh38, 1-based): chr1:214,630,557, T>G. VCF-style: chr1-214630557-T-G. GRCh37 (hg19) VCF-style: chr1-214803900-T-G.
Identifiers: ClinVar variation 775662 (VCV000775662.35), dbSNP rs139919911, ClinGen allele CA1389978.